The following is an entry in ClinVar:

NM_020693.4(DSCAML1):c.979G>A (p.Gly327Ser)

Gene: DSCAML1 (DS cell adhesion molecule like 1; minus strand). Cytogenetic location: 11q23.3.
Variant type: single nucleotide variant.
Coding change: c.979G>A on transcript NM_020693.4 (MANE Select); coding-DNA position 979, G replaced by A.
Protein change: p.Gly327Ser; replaces glycine 327 with serine.
Molecular consequence: missense variant.
Genome position (GRCh38, 1-based): chr11:117,521,364, C>T on the plus strand (G>A on the coding strand, the complement: DSCAML1 is on the minus strand). VCF-style: chr11-117521364-C-T. GRCh37 (hg19) VCF-style: chr11-117392079-C-T.
Other names: c.979G>A, p.Gly327Ser (NM_001367904.1); c.571G>A, p.Gly191Ser (NM_001367905.1); c.1159G>A (NM_020693.2); short protein forms G191S, G327S.
Identifiers: ClinVar variation 1423728 (VCV001423728.8), dbSNP rs373292920, ClinGen allele CA6297393.
Genomic context (GRCh38, chr11:117,521,364, plus strand): 5'-GGATGGTGAACTCTGGGGAGCCCGTCAGGGCACAGGAGAGGATGACCGTGCTGCCAATGC[C>T]GGTCTTCAGCTTCTTTGGTGTCAGGGTCACATGAAGGGGATCTGGGCCGGGCCAGGGAGA-3'
Protein context (NP_065744.3, residues 317-337): VTLTPKKLKT[Gly327Ser]IGSTVILSCA

ClinVar aggregate classification (germline): Uncertain significance. Review status: criteria provided, multiple submitters, no conflicts (2 of 4 stars). 2 submissions from 2 submitters: Uncertain significance (2). Last evaluated 2025-10-16.

Allele frequency attached by ClinVar (database versions not stated): gnomAD exomes 0.00006 and 0.00016; ExAC 0.00010; gnomAD 0.00011; TOPMed 0.00011; 1000 Genomes Project 30x 0.00016; 1000 Genomes Project 0.00020; ESP Exome Variant Server 0.00031.
gnomAD v4.1: 275 of 1,614,048 alleles (0.017%); highest among the groups gnomAD compares: Non-Finnish European, 0.02%; no homozygotes.

Submissions (2):

Labcorp Genetics (formerly Invitae), Labcorp
Classification: Uncertain significance. Last evaluated: 2025-10-16. Review status: criteria provided, single submitter. Criteria: Invitae Variant Classification Sherloc (09022015). Collection method: clinical testing. Allele origin: germline.
Comment: This sequence change replaces glycine, which is neutral and non-polar, with serine, which is neutral and polar, at codon 387 of the DSCAML1 protein (p.Gly387Ser). The frequency data for this variant in the population databases is considered unreliable, as metrics indicate poor data quality at this position in the gnomAD database. This variant has not been reported in the literature in individuals affected with DSCAML1-related conditions. ClinVar contains an entry for this variant (Variation ID: 1423728). An algorithm developed to predict the effect of missense changes on protein structure and function (PolyPhen-2) suggests that this variant is likely to be tolerated. In summary, the available evidence is currently insufficient to determine the role of this variant in disease. Therefore, it has been classified as a Variant of Uncertain Significance.

Ambry Genetics
Classification: Uncertain significance. Last evaluated: 2025-09-22. Review status: criteria provided, single submitter. Criteria: Ambry Variant Classification Scheme 2023. Collection method: clinical testing. Allele origin: germline.